The following is an entry in ClinVar:

ClinVar aggregate classification (germline): Uncertain significance (1 of 4 stars; one submission).

Submission:

GeneDx
Classification: Uncertain significance. Last evaluated: 2026-04-14. Review status: criteria provided, single submitter. Criteria: GeneDx Variant Classification Process June 2021. Collection method: clinical testing. Allele origin: germline.
Comment: Not observed at significant frequency in large population cohorts (gnomAD); In silico analysis suggests that this missense variant does not alter protein structure/function; Has not been previously published as pathogenic or benign to our knowledge

NM_016363.5(GP6):c.*624T>C

Gene: GP6 (glycoprotein VI platelet; minus strand). Cytogenetic location: 19q13.42.
Variant type: single nucleotide variant.
Coding change: c.*624T>C on transcript NM_016363.5 (MANE Select); 624 bases downstream of the stop codon, T replaced by C.
Molecular consequence: 3 prime UTR variant. On other transcripts: missense variant (1).
Genome position (GRCh38, 1-based): chr19:55,014,297, A>G on the plus strand (T>C on the coding strand, the complement: GP6 is on the minus strand). VCF-style: chr19-55014297-A-G. GRCh37 (hg19) VCF-style: chr19-55525665-A-G.
Other names: c.1648T>C, p.Tyr550His (NM_001083899.2); c.*624T>C (NM_001256017.2); short protein forms Y550H.
Identifiers: ClinVar variation 5037119 (VCV005037119.1).